The following is an entry in ClinVar:

NM_000478.6(ALPL):c.558G>A (p.Trp186Ter)

Gene: ALPL (alkaline phosphatase, biomineralization associated; plus strand). Cytogenetic location: 1p36.12.
Variant type: single nucleotide variant.
Coding change: c.558G>A on transcript NM_000478.6 (MANE Select); coding-DNA position 558, G replaced by A.
Protein change: p.Trp186Ter; replaces tryptophan 186 with a stop codon.
Molecular consequence: nonsense.
Genome position (GRCh38, 1-based): chr1:21,564,126, G>A. VCF-style: chr1-21564126-G-A. GRCh37 (hg19) VCF-style: chr1-21890619-G-A.
Other names: c.393G>A, p.Trp131Ter (NM_001127501.4); c.327G>A, p.Trp109Ter (NM_001177520.3); c.558G>A, p.Trp186Ter (NM_001369803.2, NM_001369804.2, NM_001369805.2); short protein forms W109*, W131*, W186*.
Identifiers: ClinVar variation 1073912 (VCV001073912.10), dbSNP rs2148161624, ClinGen allele CA338878030.

ClinVar aggregate classification (germline): Pathogenic. Review status: criteria provided, multiple submitters, no conflicts (2 of 4 stars). 3 submissions from 3 submitters: Pathogenic (3). Last evaluated 2025-08-29.

Conditions:
Hypophosphatasia. Also called: Phosphoethanol-aminuria. Identifiers: Orphanet 436, MedGen C0020630, MeSH D007014, MONDO:0018570.

gnomAD v4.1: 2 of 1,614,110 alleles (0.00012%); highest among the groups gnomAD compares: Non-Finnish European, 0.000085%; no homozygotes.

Submissions (3):

Genomenon, Inc
Classification: Pathogenic for Hypophosphatasia. Last evaluated: 2025-08-29. Review status: criteria provided, single submitter. Criteria: Genomenon Sequence Variant Interpretation Standards. Collection method: curation. Allele origin: germline. Affected: yes.
Comment: ALPL p.Trp186Ter (c.558G>A) is a nonsense variant that introduces a premature stop codon at amino acid position 186, creating a truncated protein that is predicted to undergo nonsense-mediated mRNA decay. This variant has been observed in at least one proband affected with hypophosphatasia (PMID:31267001). At least one functional study has demonstrated a substantial alteration in protein function relative to the wild-type (PMID:31267001). It is absent or not present at a significant frequency in gnomAD. In conclusion, we classify ALPL p.Trp186Ter (c.558G>A) as a pathogenic variant.

Labcorp Genetics (formerly Invitae), Labcorp
Classification: Pathogenic. Last evaluated: 2025-03-09. Review status: criteria provided, single submitter. Criteria: Invitae Variant Classification Sherloc (09022015). Collection method: clinical testing. Allele origin: germline.
Comment: This sequence change creates a premature translational stop signal (p.Trp186*) in the ALPL gene. It is expected to result in an absent or disrupted protein product. Loss-of-function variants in ALPL are known to be pathogenic (PMID: 3174660, 10679946, 32973344, 33814268). This variant is not present in population databases (gnomAD no frequency). This premature translational stop signal has been observed in individual(s) with clinical and/or biochemical features of hypophosphatasia (PMID: 31267001). ClinVar contains an entry for this variant (Variation ID: 1073912). For these reasons, this variant has been classified as Pathogenic.

JKU Lab, Dept of Paediatrics, Johannes Kepler University
Classification: Pathogenic for Hypophosphatasia. Last evaluated: 2024-02-13. Review status: criteria provided, single submitter. Criteria: ACMG Guidelines, 2015. Collection method: clinical testing. Allele origin: germline. Affected: yes. Observed: 1 heterozygote.
Comment: Absent in GnomAD.

Literature cited by the submitters: PubMed 31267001 (cited by 3 submitters); PubMed 3174660 (cited by Labcorp Genetics (formerly Invitae), Labcorp); PubMed 10679946 (cited by Labcorp Genetics (formerly Invitae), Labcorp); PubMed 32973344 (cited by Labcorp Genetics (formerly Invitae), Labcorp); PubMed 33814268 (cited by Labcorp Genetics (formerly Invitae), Labcorp).